The following is an entry in ClinVar:

NM_007175.8(ERLIN2):c.200A>G (p.Gln67Arg)

Gene: ERLIN2 (ER lipid raft associated 2; plus strand). Cytogenetic location: 8p11.23.
Variant type: single nucleotide variant.
Coding change: c.200A>G on transcript NM_007175.8 (MANE Select); coding-DNA position 200, A replaced by G.
Protein change: p.Gln67Arg; replaces glutamine 67 with arginine.
Molecular consequence: missense variant.
Genome position (GRCh38, 1-based): chr8:37,741,782, A>G. VCF-style: chr8-37741782-A-G. GRCh37 (hg19) VCF-style: chr8-37599300-A-G.
Other names: c.200A>G, p.Gln67Arg (NM_001003790.4, NM_001003791.3, NM_001362878.2 and 1 more transcripts); short protein forms Q67R.
Identifiers: ClinVar variation 4532094 (VCV004532094.1).

ClinVar aggregate classification (germline): Uncertain significance (1 of 4 stars; one submission).

Conditions:
Spastic paraplegia 18a, autosomal dominant. Identifiers: MedGen C5882694, MONDO:0957788, OMIM 620512.

Submission:

Victorian Clinical Genetics Services, Murdoch Childrens Research Institute
Classification: Uncertain significance for Spastic paraplegia 18a, autosomal dominant. Last evaluated: 2025-05-26. Review status: criteria provided, single submitter. Criteria: ACMG Guidelines, 2015. Collection method: clinical testing. Allele origin: germline. Affected: yes.
Comment: This variant is classified as VUS-3A. Evidence in support of pathogenic classification: Variant is absent from gnomAD (v2, v3 and v4); Missense variant predicted to be damaging by in silico tool(s) or highly conserved with a major amino acid change. Additional information: Variant is predicted to result in a missense amino acid change from glutamine to arginine; This variant is heterozygous; This gene is associated with both recessive and dominant disease. Autosomal dominant inheritance is generally associated with juvenile-adolescent onset pure hereditary spastic paraplegia, while autosomal recessive inheritance is mostly complicated pure hereditary spastic paraplegia with earlier onset and more severe conditions (PMID: 34734492). - Alternative amino acid change(s) at the same position are present in gnomAD (Highest allele count: v4: 1 heterozygote(s), 0 homozygote(s)); This variant has no previous evidence of pathogenicity; No published segregation evidence has been identified for this variant; No published functional evidence has been identified for this variant; No comparable missense variants have previous evidence for pathogenicity; Variant is located in the annotated band 7 domain (DECIPHER); Loss of function is a known mechanism of disease in this gene and is associated with autosomal recessive spastic paraplegia 18B (MIM#611225). The mechanism for autosomal dominant spastic paraplegia 18A (MIM#620512) is not well understood.

Literature cited by the submitters: PubMed 34734492.